The following is an entry in ClinVar:

ClinVar aggregate classification (germline): Conflicting classifications of pathogenicity. Review status: criteria provided, conflicting classifications (1 of 4 stars). 2 submissions from 2 submitters: Uncertain significance (1); Likely benign (1). Last evaluated 2024-09-20.

Conditions:
Congenital myasthenic syndrome 8. Also called: Myasthenic syndrome, congenital, 8, with pre- and postsynaptic defects; MYASTHENIC SYNDROME, CONGENITAL, DUE TO AGRIN DEFICIENCY. Identifiers: Orphanet 590, MedGen C3808739, MONDO:0014052, OMIM 615120.

Allele frequency attached by ClinVar (database versions not stated): gnomAD exomes 0.00005 and 0.00002; ExAC 0.00010.
gnomAD v4.1: 25 of 1,557,864 alleles (0.0016%); highest among the groups gnomAD compares: South Asian, 0.03%; no homozygotes.

Submissions (2):

3billion
Classification: Likely benign for Congenital myasthenic syndrome 8. Last evaluated: 2024-09-20. Review status: criteria provided, single submitter. Criteria: ACMG Guidelines, 2015. Collection method: clinical testing. Allele origin: germline. Affected: no.
Comment: The homozygous variant was found in patients diagnosed with another variant in a different gene, with no symptoms related to the gene containing the homozygous variant.

Labcorp Genetics (formerly Invitae), Labcorp
Classification: Uncertain significance for Congenital myasthenic syndrome 8. Last evaluated: 2018-01-29. Review status: criteria provided, single submitter. Criteria: Invitae Variant Classification Sherloc (09022015). Collection method: clinical testing. Allele origin: germline.
Comment: Algorithms developed to predict the effect of missense changes on protein structure and function do not agree on the potential impact of this missense change (SIFT: "Deleterious"; PolyPhen-2: "Probably Damaging"; Align-GVGD: "Class C0"). In summary, the available evidence is currently insufficient to determine the role of this variant in disease. Therefore, it has been classified as a Variant of Uncertain Significance. This variant is present in population databases (rs766962416, ExAC 0.03%). This sequence change replaces alanine with threonine at codon 2008 of the AGRN protein (p.Ala2008Thr). The alanine residue is highly conserved and there is a small physicochemical difference between alanine and threonine. This variant has not been reported in the literature in individuals with AGRN-related disease.

NM_198576.4(AGRN):c.6022G>A (p.Ala2008Thr)

Gene: AGRN (agrin; plus strand). Cytogenetic location: 1p36.33.
Variant type: single nucleotide variant.
Coding change: c.6022G>A on transcript NM_198576.4 (MANE Select); coding-DNA position 6022, G replaced by A.
Protein change: p.Ala2008Thr; replaces alanine 2008 with threonine.
Molecular consequence: missense variant.
Genome position (GRCh38, 1-based): chr1:1,054,865, G>A. VCF-style: chr1-1054865-G-A. GRCh37 (hg19) VCF-style: chr1-990245-G-A.
Other names: c.6091G>A, p.Ala2031Thr (NM_001305275.2); c.5719G>A, p.Ala1907Thr (NM_001364727.2); short protein forms A2008T, A1907T, A2031T.
Identifiers: ClinVar variation 574619 (VCV000574619.8), dbSNP rs766962416, ClinGen allele CA510316.
Genomic context (GRCh38, chr1:1,054,865, plus strand): 5'-CCCACTGTCTGTGCTGCAGGGGGCCTGCCGGAGCTGCCCGTGGGCCCAGCACTGCCCAAG[G>A]CCTACGGCACAGGCTTTGTGGGCTGCTTGCGGGACGTGGTGGTGGGCCGGCACCCGCTGC-3'
Protein context (NP_940978.2, residues 1998-2018): ELPVGPALPK[Ala2008Thr]YGTGFVGCLR